The following is an entry in ClinVar:

ClinVar aggregate classification (germline): Uncertain significance. Review status: criteria provided, multiple submitters, no conflicts (2 of 4 stars). 2 submissions from 2 submitters: Uncertain significance (2). Last evaluated 2025-10-14.

gnomAD v4.1: 164 of 1,609,588 alleles (0.01%); highest among the groups gnomAD compares: Non-Finnish European, 0.013%; no homozygotes.

Submissions (2):

Ambry Genetics
Classification: Uncertain significance. Last evaluated: 2025-10-14. Review status: criteria provided, single submitter. Criteria: Ambry Variant Classification Scheme 2023. Collection method: clinical testing. Allele origin: germline.

GeneDx
Classification: Uncertain significance. Last evaluated: 2025-06-23. Review status: criteria provided, single submitter. Criteria: GeneDx Variant Classification Process June 2021. Collection method: clinical testing. Allele origin: germline. Affected: yes.
Comment: Has not been previously published as pathogenic or benign to our knowledge; In silico analysis does not support a benign or deleterious effect of this variant on protein structure/function

NM_017570.5(OPLAH):c.2434C>T (p.His812Tyr)

Gene: OPLAH (5-oxoprolinase, ATP-hydrolysing; minus strand). Cytogenetic location: 8q24.3.
Variant type: single nucleotide variant.
Coding change: c.2434C>T on transcript NM_017570.5 (MANE Select); coding-DNA position 2434, C replaced by T.
Protein change: p.His812Tyr; replaces histidine 812 with tyrosine.
Molecular consequence: missense variant.
Genome position (GRCh38, 1-based): chr8:144,054,889, G>A on the plus strand (C>T on the coding strand, the complement: OPLAH is on the minus strand). VCF-style: chr8-144054889-G-A. GRCh37 (hg19) VCF-style: chr8-145109792-G-A.
Other names: c.2434C>T (NM_017570.3); short protein forms H812Y.
Identifiers: ClinVar variation 4540036 (VCV004540036.2).